The following is an entry in ClinVar:

NM_145290.4(ADGRA3):c.2488A>T (p.Ile830Leu)

Gene: ADGRA3 (adhesion G protein-coupled receptor A3; minus strand). Cytogenetic location: 4p15.2.
Variant type: single nucleotide variant.
Coding change: c.2488A>T on transcript NM_145290.4 (MANE Select); coding-DNA position 2488, A replaced by T.
Protein change: p.Ile830Leu; replaces isoleucine 830 with leucine.
Molecular consequence: missense variant.
Genome position (GRCh38, 1-based): chr4:22,392,684, T>A on the plus strand (A>T on the coding strand, the complement: ADGRA3 is on the minus strand). VCF-style: chr4-22392684-T-A. GRCh37 (hg19) VCF-style: chr4-22394307-T-A.
Other names: short protein forms I830L.
Identifiers: ClinVar variation 1495272 (VCV001495272.8), dbSNP rs2108994931, ClinGen allele CA356476360.

ClinVar aggregate classification (germline): Uncertain significance (1 of 4 stars; one submission).

Submission:

Labcorp Genetics (formerly Invitae), Labcorp
Classification: Uncertain significance. Last evaluated: 2025-05-05. Review status: criteria provided, single submitter. Criteria: Invitae Variant Classification Sherloc (09022015). Collection method: clinical testing. Allele origin: germline.
Comment: This sequence change replaces isoleucine, which is neutral and non-polar, with leucine, which is neutral and non-polar, at codon 830 of the ADGRA3 protein (p.Ile830Leu). This variant is not present in population databases (gnomAD no frequency). This variant has not been reported in the literature in individuals affected with ADGRA3-related conditions. ClinVar contains an entry for this variant (Variation ID: 1495272). An algorithm developed to predict the effect of missense changes on protein structure and function (PolyPhen-2) suggests that this variant is likely to be disruptive. In summary, the available evidence is currently insufficient to determine the role of this variant in disease. Therefore, it has been classified as a Variant of Uncertain Significance.